The following is an entry in ClinVar:

NM_001165963.4(SCN1A):c.2334_2335insTTCCCCTTGTATT (p.Val779fs)

Gene: SCN1A (sodium voltage-gated channel alpha subunit 1; minus strand). Cytogenetic location: 2q24.3.
Variant type: Insertion.
Coding change: c.2334_2335insTTCCCCTTGTATT on transcript NM_001165963.4 (MANE Select); coding-DNA positions 2334 to 2335, TTCCCCTTGTATT inserted.
Protein change: p.Val779fs; shifts the reading frame from valine 779.
Molecular consequence: frameshift variant. On other transcripts: 5 prime UTR variant (1), non-coding transcript variant (1).
Genome position: GRCh38 VCF-style: chr2-166041311-C-CAATACAAGGGGAA. GRCh37 (hg19) VCF-style: chr2-166897821-C-CAATACAAGGGGAA.
Other names: c.2250_2251insTTCCCCTTGTATT, p.Val751fs (NM_001165964.3, NM_001353957.2, NM_001353958.2); c.2334_2335insTTCCCCTTGTATT, p.Val779fs (NM_001202435.3, NM_001353948.2); c.2301_2302insTTCCCCTTGTATT, p.Val768fs (NM_001353949.2, NM_001353950.2, NM_001353951.2 and 2 more transcripts); c.2298_2299insTTCCCCTTGTATT, p.Val767fs (NM_001353954.2, NM_001353955.2); c.2247_2248insTTCCCCTTGTATT, p.Val750fs (NM_001353960.2); c.-125_-124insTTCCCCTTGTATT (NM_001353961.2); short protein forms V767fs, V768fs, V750fs, V751fs, V779fs.
Identifiers: ClinVar variation 420478 (VCV000420478.2), dbSNP rs1064794503, ClinGen allele CA16617305.

ClinVar aggregate classification (germline): Pathogenic (1 of 4 stars; one submission).

Submission:

GeneDx
Classification: Pathogenic. Last evaluated: 2016-02-18. Review status: criteria provided, single submitter. Criteria: GeneDx Variant Classification (06012015). Collection method: clinical testing. Allele origin: germline. Affected: yes.
Comment: The c.2334_2335ins13 pathogenic variant in the SCN1A gene causes a frameshift starting with codon Valine 779, changes this amino acid to a Phenylalanine residue and creates a premature Stop codon at position 24 of the new reading frame, denoted p.Val779PhefsX24. This pathogenic variant is predicted to cause loss of normal protein function either through protein truncation or nonsense-mediated mRNA decay. Additionally, it was not observed in approximately 6,500 individuals of European and African American ancestry in the NHLBI Exome Sequencing Project, indicating it is not a common benign variant in these populations. Although this variant has not been reported previously to our knowledge, other frameshift variants have been reported in the SCN1A gene in association with SCN1A-related disorders (Stenson et al., 2014).